The following is an entry in ClinVar:

ClinVar aggregate classification (germline): Uncertain significance (1 of 4 stars; one submission).

Conditions:
Cardiovascular phenotype. Identifiers: MedGen CN230736.

Submission:

Ambry Genetics
Classification: Uncertain significance for Cardiovascular phenotype. Last evaluated: 2025-01-10. Review status: criteria provided, single submitter. Criteria: Ambry Variant Classification Scheme 2023. Collection method: clinical testing. Allele origin: germline.
Comment: The p.K64E variant (also known as c.190A>G), located in coding exon 3 of the PRDM5 gene, results from an A to G substitution at nucleotide position 190. The lysine at codon 64 is replaced by glutamic acid, an amino acid with similar properties. This amino acid position is conserved. In addition, this alteration is predicted to be tolerated by in silico analysis. Based on the available evidence, the clinical significance of this variant remains unclear.

NM_018699.4(PRDM5):c.190A>G (p.Lys64Glu)

Gene: PRDM5 (PR/SET domain 5; minus strand). Cytogenetic location: 4q27.
Variant type: single nucleotide variant.
Coding change: c.190A>G on transcript NM_018699.4 (MANE Select); coding-DNA position 190, A replaced by G.
Protein change: p.Lys64Glu; replaces lysine 64 with glutamic acid.
Molecular consequence: missense variant.
Genome position (GRCh38, 1-based): chr4:120,853,528, T>C on the plus strand (A>G on the coding strand, the complement: PRDM5 is on the minus strand). VCF-style: chr4-120853528-T-C. GRCh37 (hg19) VCF-style: chr4-121774683-T-C.
Other names: c.190A>G, p.Lys64Glu (NM_001300823.2, NM_001300824.2, NM_001379104.1 and 1 more transcripts); short protein forms K64E.
Identifiers: ClinVar variation 3783076 (VCV003783076.1).
Genomic context (GRCh38, chr4:120,853,528, plus strand): 5'-AGCGAAGCCAGTTGGAGTGCCGTGGGTTGGTAGCATCCAAAATGTACAAAACTTCTCCCT[T>C]ACTCCCACGAACCTGAAACATTAAAGGCTCCTGAGTTTACAATGGAAGTCAGAATATTAG-3'
Protein context (NP_061169.2, residues 54-74): YRLMWEVRGS[Lys64Glu]GEVLYILDAT